The following is an entry in ClinVar:

ClinVar aggregate classification (germline): Uncertain significance (1 of 4 stars; one submission).

Submission:

GeneDx
Classification: Uncertain significance. Last evaluated: 2026-02-12. Review status: criteria provided, single submitter. Criteria: GeneDx Variant Classification Process June 2021. Collection method: clinical testing. Allele origin: germline.
Comment: Not observed at significant frequency in large population cohorts (gnomAD); In silico analysis suggests that this missense variant does not alter protein structure/function; Has not been previously published as pathogenic or benign to our knowledge

NM_002055.5(GFAP):c.202A>G (p.Ser68Gly)

Gene: GFAP (glial fibrillary acidic protein; minus strand). Cytogenetic location: 17q21.31.
Variant type: single nucleotide variant.
Coding change: c.202A>G on transcript NM_002055.5 (MANE Select); coding-DNA position 202, A replaced by G.
Protein change: p.Ser68Gly; replaces serine 68 with glycine.
Molecular consequence: missense variant.
Genome position (GRCh38, 1-based): chr17:44,915,285, T>C on the plus strand (A>G on the coding strand, the complement: GFAP is on the minus strand). VCF-style: chr17-44915285-T-C. GRCh37 (hg19) VCF-style: chr17-42992653-T-C.
Other names: c.202A>G, p.Ser68Gly (NM_001131019.3, NM_001242376.3, NM_001363846.2); short protein forms S68G.
Identifiers: ClinVar variation 4976497 (VCV004976497.1).